The following is an entry in ClinVar:

ClinVar aggregate classification (germline): Uncertain significance (1 of 4 stars; one submission).

Conditions:
Charcot-Marie-Tooth disease type 4. Also called: Charcot-Marie-Tooth, Type 4; Charcot-Marie-Tooth disease, type IV. Identifiers: Orphanet 64749, MedGen C4082197, MONDO:0018995.

Submission:

Labcorp Genetics (formerly Invitae), Labcorp
Classification: Uncertain significance for Charcot-Marie-Tooth disease type 4. Last evaluated: 2018-02-24. Review status: criteria provided, single submitter. Criteria: Invitae Variant Classification Sherloc (09022015). Collection method: clinical testing. Allele origin: germline.
Comment: In summary, the available evidence is currently insufficient to determine the role of this variant in disease. Therefore, it has been classified as a Variant of Uncertain Significance. Algorithms developed to predict the effect of missense changes on protein structure and function (SIFT, PolyPhen-2, Align-GVGD) all suggest that this variant is likely to be tolerated, but these predictions have not been confirmed by published functional studies and their clinical significance is uncertain. This variant has not been reported in the literature in individuals with SBF2-related disease. This variant is not present in population databases (ExAC no frequency). This sequence change replaces methionine with leucine at codon 754 of the SBF2 protein (p.Met754Leu). The methionine residue is highly conserved and there is a small physicochemical difference between methionine and leucine.

NM_030962.4(SBF2):c.2260A>T (p.Met754Leu)

Genes: SBF2 (SET binding factor 2; minus strand), LOC101928008 (uncharacterized LOC101928008; plus strand). Cytogenetic location: 11p15.4.
Variant type: single nucleotide variant.
Coding change: c.2260A>T on transcript NM_030962.4 (MANE Select); coding-DNA position 2260, A replaced by T.
Protein change: p.Met754Leu; replaces methionine 754 with leucine.
Molecular consequence: missense variant.
Genome position (GRCh38, 1-based): chr11:9,856,561, T>A on the plus strand (A>T on the coding strand, the complement: SBF2 is on the minus strand). VCF-style: chr11-9856561-T-A. GRCh37 (hg19) VCF-style: chr11-9878108-T-A.
Other names: c.2260A>T, p.Met754Leu (NM_001386339.1); c.2131A>T, p.Met711Leu (NM_001386342.1); short protein forms M754L, M711L.
Identifiers: ClinVar variation 570111 (VCV000570111.9), dbSNP rs745452169, ClinGen allele CA379638906.